The following is an entry in ClinVar:

ClinVar aggregate classification (germline): Uncertain significance. Review status: criteria provided, multiple submitters, no conflicts (2 of 4 stars). 3 submissions from 3 submitters: Uncertain significance (2). 1 of the submissions does not count toward it. Last evaluated 2022-11-08.

Conditions:
Pseudo-Hurler polydystrophy. Also called: Type III Mucolipidosis; ML IIIA; ML III; ML III ALPHA/BETA; Mucolipidosis III Alpha/Beta; MUCOLIPIDOSIS IIIA. Identifiers: Orphanet 423461, Orphanet 577, MedGen C0033788, MONDO:0018931, OMIM 252600.

Submissions (3):

Women's Health and Genetics/Laboratory Corporation of America, LabCorp
Classification: Uncertain significance. Last evaluated: 2022-11-08. Review status: criteria provided, single submitter. Criteria: LabCorp Variant Classification Summary - May 2015. Collection method: clinical testing. Allele origin: germline.
Comment: Variant summary: GNPTAB c.232_234delGTT (p.Val78del aka p.Val77del) results in an in-frame deletion that is predicted to remove one amino acid from the stealth protein CR1, conserved region 1 (IPR031358), affecting the conserved IDVVYT (p.75-80) sequence-motif of the encoded protein. The variant allele was found at a frequency of 4e-06 in 251390 control chromosomes (gnomAD). The variant, c.232_234delGTT, has been reported in the literature in a compound heterozygous individual affected with Mucolipidosis III (Cathey_2010). In addition, the variant was also reported in heterozygous state in an individual affected with stuttering (Raza_2016, Frigerio-Domingues_2019). These data do not allow clear conclusions about variant significance. To our knowledge, no experimental evidence demonstrating an impact on protein function has been reported. One clinical diagnostic laboratory has submitted clinical-significance assessments for this variant to ClinVar after 2014 without evidence for independent evaluation, and classified the variant as uncertain significance. Based on the evidence outlined above, the variant was classified as VUS-possibly pathogenic.

Centre for Mendelian Genomics, University Medical Centre Ljubljana
Classification: Uncertain significance for Pseudo-Hurler polydystrophy. Last evaluated: 2019-11-05. Review status: criteria provided, single submitter. Criteria: ACMG Guidelines, 2015. Collection method: clinical testing. Allele origin: unknown. Affected: yes.
Comment: This variant was classified as: Uncertain significance. The available evidence on this variant's pathogenicity is insufficient or conflicting. The following ACMG criteria were applied in classifying this variant: PM2,PM4,PP5.

GeneReviews
No classification provided. Condition: Pseudo-Hurler polydystrophy. Review status: no classification provided. Collection method: literature only. Allele origin: unknown. Not counted in ClinVar's aggregate classification.

Literature cited by the submitters: PubMed 19617216 (cited by Women's Health and Genetics/Laboratory Corporation of America, LabCorp and GeneReviews); PubMed 26130485 (cited by Women's Health and Genetics/Laboratory Corporation of America, LabCorp); PubMed 31003007 (cited by Women's Health and Genetics/Laboratory Corporation of America, LabCorp); PubMed 33197157 (cited by Women's Health and Genetics/Laboratory Corporation of America, LabCorp); PubMed 20301728 (cited by GeneReviews); NCBI Bookshelf NBK1828 (cited by GeneReviews).

NM_024312.5(GNPTAB):c.229GTT[1] (p.Val78del)

Gene: GNPTAB (N-acetylglucosamine-1-phosphate transferase subunits alpha and beta; minus strand). Cytogenetic location: 12q23.2.
Variant type: Microsatellite.
Coding change: c.229GTT[1] on transcript NM_024312.5 (MANE Select); one copy of the 3-base unit GTT starting at c.229; the reference has two copies in a row; one copy, 3 bases deleted.
Protein change: p.Val78del; deletes valine 78.
Molecular consequence: inframe deletion.
Genome position (GRCh38, 1-based): chr12:101,790,027-101,790,029, AAC deleted on the plus strand (GTT on the coding strand, the reverse complement: GNPTAB is on the minus strand); deleting any 3 consecutive bases within chr12:101,790,027-101,790,032 gives the same sequence; the position shown is the placement nearest the transcript's 3' end. VCF-style (leftmost placement, unchanged base first): chr12-101790026-AAAC-A. GRCh37 (hg19) VCF-style: chr12-102183804-AAAC-A.
Other names: short protein forms V78del.
Identifiers: ClinVar variation 39050 (VCV000039050.7), dbSNP rs281864952, ClinGen allele CA343370.